The following is an entry in ClinVar:

ClinVar aggregate classification (germline): Uncertain significance (1 of 4 stars; one submission).

gnomAD v4.1: 7 of 1,612,206 alleles (0.00043%); highest among the groups gnomAD compares: Non-Finnish European, 0.00059%; no homozygotes.

Submission:

Labcorp Genetics (formerly Invitae), Labcorp
Classification: Uncertain significance. Last evaluated: 2024-12-14. Review status: criteria provided, single submitter. Criteria: Invitae Variant Classification Sherloc (09022015). Collection method: clinical testing. Allele origin: germline.
Comment: This sequence change replaces glutamic acid, which is acidic and polar, with lysine, which is basic and polar, at codon 221 of the OPA1 protein (p.Glu221Lys). This variant is not present in population databases (gnomAD no frequency). This missense change has been observed in individual(s) with optic atrophy plus syndrome (DOA+) (PMID: 27974645). In at least one individual the data is consistent with being in trans (on the opposite chromosome) from a pathogenic variant. Invitae Evidence Modeling of protein sequence and biophysical properties (such as structural, functional, and spatial information, amino acid conservation, physicochemical variation, residue mobility, and thermodynamic stability) indicates that this missense variant is not expected to disrupt OPA1 protein function with a negative predictive value of 80%. In summary, the available evidence is currently insufficient to determine the role of this variant in disease. Therefore, it has been classified as a Variant of Uncertain Significance.

Literature cited by the submitters: PubMed 27974645.

NM_130837.3(OPA1):c.826G>A (p.Glu276Lys)

Gene: OPA1 (OPA1 mitochondrial dynamin like GTPase; plus strand). Cytogenetic location: 3q29.
Variant type: single nucleotide variant.
Coding change: c.826G>A on transcript NM_130837.3 (MANE Select); coding-DNA position 826, G replaced by A.
Protein change: p.Glu276Lys; replaces glutamic acid 276 with lysine.
Molecular consequence: missense variant.
Genome position (GRCh38, 1-based): chr3:193,631,648, G>A. VCF-style: chr3-193631648-G-A. GRCh37 (hg19) VCF-style: chr3-193349437-G-A.
Other names: c.292G>A, p.Glu98Lys (NM_001354663.2); c.289G>A, p.Glu97Lys (NM_001354664.2); c.661G>A, p.Glu221Lys (NM_015560.3); c.553G>A, p.Glu185Lys (NM_130831.3); c.607G>A, p.Glu203Lys (NM_130832.3); c.664G>A, p.Glu222Lys (NM_130833.3); c.715G>A, p.Glu239Lys (NM_130834.3); c.718G>A, p.Glu240Lys (NM_130835.3); and 1 more; short protein forms E185K, E221K, E203K, E239K, E240K, E258K, E98K, E222K.
Identifiers: ClinVar variation 3720551 (VCV003720551.2).